The following is an entry in ClinVar:

NM_182961.4(SYNE1):c.5138A>T (p.Tyr1713Phe)

Gene: SYNE1 (spectrin repeat containing nuclear envelope protein 1; minus strand). Cytogenetic location: 6q25.2.
Variant type: single nucleotide variant.
Coding change: c.5138A>T on transcript NM_182961.4 (MANE Select); coding-DNA position 5138, A replaced by T.
Protein change: p.Tyr1713Phe; replaces tyrosine 1713 with phenylalanine.
Molecular consequence: missense variant.
Genome position (GRCh38, 1-based): chr6:152,425,510, T>A on the plus strand (A>T on the coding strand, the complement: SYNE1 is on the minus strand). VCF-style: chr6-152425510-T-A. GRCh37 (hg19) VCF-style: chr6-152746645-T-A.
Other names: c.5159A>T, p.Tyr1720Phe (NM_033071.5); short protein forms Y1720F, Y1713F.
Identifiers: ClinVar variation 1394402 (VCV001394402.6), dbSNP rs2098338003, ClinGen allele CA366138177.

ClinVar aggregate classification (germline): Uncertain significance (1 of 4 stars; one submission).

Conditions:
Emery-Dreifuss muscular dystrophy 4, autosomal dominant (EDMD4). Also called: EMERY-DREIFUSS MUSCULAR DYSTROPHY 4 WITH VARIABLE FEATURES. Identifiers: Orphanet 261, MedGen C2751807, MONDO:0013071, OMIM 612998.
Autosomal recessive ataxia, Beauce type. Also called: SYNE1-Related Autosomal Recessive Cerebellar Ataxia; Spinocerebellar ataxia, autosomal recessive 8; ATAXIA, RECESSIVE, OF BEAUCE; SYNE1 Deficiency. Identifiers: Orphanet 88644, MedGen C1853116, MONDO:0012549, OMIM 610743.

Submission:

Labcorp Genetics (formerly Invitae), Labcorp
Classification: Uncertain significance for Emery-Dreifuss muscular dystrophy 4, autosomal dominant; Autosomal recessive ataxia, Beauce type. Last evaluated: 2022-07-25. Review status: criteria provided, single submitter. Criteria: Invitae Variant Classification Sherloc (09022015). Collection method: clinical testing. Allele origin: germline.
Comment: In summary, the available evidence is currently insufficient to determine the role of this variant in disease. Therefore, it has been classified as a Variant of Uncertain Significance. Algorithms developed to predict the effect of missense changes on protein structure and function are either unavailable or do not agree on the potential impact of this missense change (SIFT: "Deleterious"; PolyPhen-2: "Benign"; Align-GVGD: "Class C0"). ClinVar contains an entry for this variant (Variation ID: 1394402). This variant has not been reported in the literature in individuals affected with SYNE1-related conditions. This variant is not present in population databases (gnomAD no frequency). This sequence change replaces tyrosine, which is neutral and polar, with phenylalanine, which is neutral and non-polar, at codon 1720 of the SYNE1 protein (p.Tyr1720Phe).